The following is an entry in ClinVar:

NM_022173.4(TIA1):c.188T>C (p.Leu63Ser)

Gene: TIA1 (TIA1 cytotoxic granule associated RNA binding protein; minus strand). Cytogenetic location: 2p13.3.
Variant type: single nucleotide variant.
Coding change: c.188T>C on transcript NM_022173.4 (MANE Select); coding-DNA position 188, T replaced by C.
Protein change: p.Leu63Ser; replaces leucine 63 with serine.
Molecular consequence: missense variant. On other transcripts: 5 prime UTR variant (6), non-coding transcript variant (17).
Genome position (GRCh38, 1-based): chr2:70,230,790, A>G on the plus strand (T>C on the coding strand, the complement: TIA1 is on the minus strand). VCF-style: chr2-70230790-A-G. GRCh37 (hg19) VCF-style: chr2-70457922-A-G.
Other names: c.188T>C, p.Leu63Ser (NM_001351508.2, NM_001351510.2, NM_001351516.2 and 5 more transcripts); c.194T>C, p.Leu65Ser (NM_001351509.2, NM_001351520.2); c.77T>C, p.Leu26Ser (NM_001351511.1, NM_001351513.1); c.83T>C, p.Leu28Ser (NM_001351512.1); c.-8T>C (NM_001351514.2, NM_001351523.2); c.-202T>C (NM_001351515.2); c.-451T>C (NM_001351517.2); c.-228T>C (NM_001351524.2); and 2 more; short protein forms L65S, L63S, L26S, L28S.
Identifiers: ClinVar variation 1354819 (VCV001354819.12), dbSNP rs2104450188, ClinGen allele CA347157577.

ClinVar aggregate classification (germline): Uncertain significance. Review status: criteria provided, multiple submitters, no conflicts (2 of 4 stars). 3 submissions from 3 submitters: Uncertain significance (3). Last evaluated 2025-01-18.

Conditions:
Welander distal myopathy (WDM). Also called: MUSCULAR DYSTROPHY, DISTAL, LATE-ONSET, AUTOSOMAL DOMINANT; Gower's muscular dystrophy; Welander distal myopathy, Swedish type; Distal myopathy, Swedish type. Identifiers: Orphanet 603, MedGen C0221054, MONDO:0011466, OMIM 604454.
Inborn genetic diseases. Identifiers: MedGen C0950123, MeSH D030342.

Allele frequency attached by ClinVar (database versions not stated): gnomAD exomes below 0.00001.
gnomAD v4.1: 2 of 1,612,280 alleles (0.00012%); highest among the groups gnomAD compares: Non-Finnish European, 0.00017%; no homozygotes.

Submissions (3):

Ambry Genetics
Classification: Uncertain significance for Inborn genetic diseases. Last evaluated: 2025-01-18. Review status: criteria provided, single submitter. Criteria: Ambry Variant Classification Scheme 2023. Collection method: clinical testing. Allele origin: germline.

Labcorp Genetics (formerly Invitae), Labcorp
Classification: Uncertain significance for Welander distal myopathy. Last evaluated: 2023-09-06. Review status: criteria provided, single submitter. Criteria: Invitae Variant Classification Sherloc (09022015). Collection method: clinical testing. Allele origin: germline.
Comment: This variant has not been reported in the literature in individuals affected with TIA1-related conditions. In summary, the available evidence is currently insufficient to determine the role of this variant in disease. Therefore, it has been classified as a Variant of Uncertain Significance. Advanced modeling of protein sequence and biophysical properties (such as structural, functional, and spatial information, amino acid conservation, physicochemical variation, residue mobility, and thermodynamic stability) has been performed at Invitae for this missense variant, however the output from this modeling did not meet the statistical confidence thresholds required to predict the impact of this variant on TIA1 protein function. ClinVar contains an entry for this variant (Variation ID: 1354819). This variant is not present in population databases (gnomAD no frequency). This sequence change replaces leucine, which is neutral and non-polar, with serine, which is neutral and polar, at codon 63 of the TIA1 protein (p.Leu63Ser).

Revvity Omics, Revvity
Classification: Uncertain significance. Last evaluated: 2021-10-19. Review status: criteria provided, single submitter. Criteria: ACMG Guidelines, 2015. Collection method: clinical testing. Allele origin: germline.